The following is an entry in ClinVar:

NM_001040142.2(SCN2A):c.1177-16C>G

Gene: SCN2A (sodium voltage-gated channel alpha subunit 2; plus strand). Cytogenetic location: 2q24.3.
Variant type: single nucleotide variant.
Coding change: c.1177-16C>G on transcript NM_001040142.2 (MANE Select); 16 bases into the intron before coding-DNA position 1177, C replaced by G.
Molecular consequence: intron variant.
Genome position (GRCh38, 1-based): chr2:165,313,886, C>G. VCF-style: chr2-165313886-C-G. GRCh37 (hg19) VCF-style: chr2-166170396-C-G.
Other names: c.1177-16C>G (NM_001040143.2, NM_001371246.1, NM_001371247.1 and 1 more transcripts).
Identifiers: ClinVar variation 383867 (VCV000383867.9), dbSNP rs553983883, ClinGen allele CA1939777.

ClinVar aggregate classification (germline): Likely benign. Review status: criteria provided, multiple submitters, no conflicts (2 of 4 stars). 2 submissions from 2 submitters: Likely benign (2). Last evaluated 2025-09-29.

Conditions:
Seizures, benign familial infantile, 3 (BFIS3). Also called: Familial neonatal seizures; CONVULSIONS, BENIGN FAMILIAL INFANTILE, 3. Identifiers: Orphanet 140927, Orphanet 306, MedGen C1843140, MONDO:0011904, OMIM 607745.
Developmental and epileptic encephalopathy, 11 (DEE11). Also called: Early infantile epileptic encephalopathy 11. Identifiers: Orphanet 1934, MedGen C3150987, MONDO:0013388, OMIM 613721.

Allele frequency attached by ClinVar (database versions not stated): TOPMed 0.00001; ExAC 0.00004; gnomAD exomes 0.00005.
gnomAD v4.1: 98 of 1,613,434 alleles (0.0061%); highest among the groups gnomAD compares: South Asian, 0.025%; 1 homozygote.

Submissions (2):

Labcorp Genetics (formerly Invitae), Labcorp
Classification: Likely benign for Seizures, benign familial infantile, 3; Developmental and epileptic encephalopathy, 11. Last evaluated: 2025-09-29. Review status: criteria provided, single submitter. Criteria: Invitae Variant Classification Sherloc (09022015). Collection method: clinical testing. Allele origin: germline.

GeneDx
Classification: Likely benign. Last evaluated: 2016-02-15. Review status: criteria provided, single submitter. Criteria: GeneDx Variant Classification (06012015). Collection method: clinical testing. Allele origin: germline. Affected: yes.
Comment: This variant is considered likely benign or benign based on one or more of the following criteria: it is a conservative change, it occurs at a poorly conserved position in the protein, it is predicted to be benign by multiple in silico algorithms, and/or has population frequency not consistent with disease.